The following is an entry in ClinVar:

ClinVar aggregate classification (germline): Pathogenic (1 of 4 stars; one submission).

Conditions:
Ichthyosis vulgaris. Also called: ICHTHYOSIS SIMPLEX; Dominant ichthyosis vulgaris. Identifiers: MedGen C0079584, MONDO:0024304, OMIM 146700.

Allele frequency attached by ClinVar (database versions not stated): gnomAD exomes below 0.00001; TOPMed 0.00001.

Submission:

Laboratory for Molecular Medicine, Mass General Brigham Personalized Medicine
Classification: Pathogenic for Ichthyosis vulgaris. Last evaluated: 2014-12-30. Review status: criteria provided, single submitter. Criteria: LMM Criteria. Collection method: clinical testing. Allele origin: germline. Inheritance: Autosomal recessive inheritance. Observed: 1 variant allele. Study: CSER-MedSeq.
Comment: The Gln715X variant in FLG has not been previously reported in individuals with ichthyosis vulgaris and was not identified in large population studies. This nonsense variant leads to a premature termination codon at position 715, which is predicted to lead to a truncated or absent protein. Complete loss of FLG function is an established disease mechanism for ichthyosis vulgaris. Carriers of loss-of-function FLG variants have an increased risk for mild ichtiyosis vulgaris and atopic dermatitis (2-4 fold higher risk for atopic dermatitis; Smith 2006, Henderson 2008, Rodriguez 2008, Schuttelaar 2009, Ziyab 2012). In summary, this variant meets our criteria to be classified as pathogenic for ichthyosis vulgaris in an autosomal recessive manner and is a risk factor for mild ichthyosis vulgaris and atopic dermatitis in carriers.

Literature cited by the submitters: PubMed 16444271 (cited by Laboratory for Molecular Medicine, Mass General Brigham Personalized Medicine); PubMed 19501237 (cited by Laboratory for Molecular Medicine, Mass General Brigham Personalized Medicine); PubMed 19839980 (cited by Laboratory for Molecular Medicine, Mass General Brigham Personalized Medicine); PubMed 18325573 (cited by Laboratory for Molecular Medicine, Mass General Brigham Personalized Medicine); PubMed 22403702 (cited by Laboratory for Molecular Medicine, Mass General Brigham Personalized Medicine).

NM_002016.2(FLG):c.2143C>T (p.Gln715Ter)

Genes: FLG (filaggrin; minus strand), CCDST (cervical cancer associated DHX9 suppressive transcript; plus strand). Cytogenetic location: 1q21.3.
Variant type: single nucleotide variant.
Coding change: c.2143C>T on transcript NM_002016.2 (MANE Select); coding-DNA position 2143, C replaced by T.
Protein change: p.Gln715Ter; replaces glutamine 715 with a stop codon.
Molecular consequence: nonsense.
Genome position (GRCh38, 1-based): chr1:152,312,743, G>A on the plus strand (C>T on the coding strand, the complement: FLG is on the minus strand). VCF-style: chr1-152312743-G-A. GRCh37 (hg19) VCF-style: chr1-152285219-G-A.
Other names: short protein forms Q715*.
Identifiers: ClinVar variation 208582 (VCV000208582.6), dbSNP rs797045090, ClinGen allele CA204558.